The following is an entry in ClinVar:

NM_025257.3(SLC44A4):c.978G>A (p.Met326Ile)

Gene: SLC44A4 (solute carrier family 44 member 4; minus strand). Cytogenetic location: 6p21.33.
Variant type: single nucleotide variant.
Coding change: c.978G>A on transcript NM_025257.3 (MANE Select); coding-DNA position 978, G replaced by A.
Protein change: p.Met326Ile; replaces methionine 326 with isoleucine.
Molecular consequence: missense variant. On other transcripts: synonymous variant (1).
Genome position (GRCh38, 1-based): chr6:31,870,662, C>T on the plus strand (G>A on the coding strand, the complement: SLC44A4 is on the minus strand). VCF-style: chr6-31870662-C-T. GRCh37 (hg19) VCF-style: chr6-31838439-C-T.
Other names: c.852G>A, p.Met284Ile (NM_001178044.2); c.750G>A, p.Met250Ile (NM_001178045.2); c.978G>A, p.Val326= (NM_032794.1); short protein forms M250I, M284I, M326I.
Identifiers: ClinVar variation 3048071 (VCV003048071.4), dbSNP rs749133621, ClinGen allele CA3725526.

ClinVar aggregate classification (germline): Likely benign. Review status: criteria provided, multiple submitters, no conflicts (2 of 4 stars). 3 submissions from 3 submitters: Likely benign (2). 1 of the submissions does not count toward it. Last evaluated 2025-07-21.

Conditions:
SLC44A4-related disorder. Also called: SLC44A4-related condition.

Allele frequency attached by ClinVar (database versions not stated): gnomAD exomes 0.00011; gnomAD 0.00013; TOPMed 0.00023; ExAC 0.00026.
gnomAD v4.1: 201 of 1,610,778 alleles (0.012%); highest among the groups gnomAD compares: Admixed American, 0.089%; 1 homozygote.

Submissions (3):

Labcorp Genetics (formerly Invitae), Labcorp
Classification: Likely benign. Last evaluated: 2025-07-21. Review status: criteria provided, single submitter. Criteria: Invitae Variant Classification Sherloc (09022015). Collection method: clinical testing. Allele origin: germline.

Blueprint Genetics
Classification: Likely benign. Last evaluated: 2023-06-05. Review status: criteria provided, single submitter. Criteria: ACMG Guidelines, 2015. Collection method: clinical testing. Allele origin: germline.

PreventionGenetics, part of Exact Sciences
Classification: Likely benign for SLC44A4-related condition. Last evaluated: 2019-12-17. Review status: no assertion criteria provided. Collection method: clinical testing. Allele origin: germline. Not counted in ClinVar's aggregate classification.
Comment: This variant is classified as likely benign based on ACMG/AMP sequence variant interpretation guidelines (Richards et al. 2015 PMID: 25741868, with internal and published modifications).